The following is an entry in ClinVar:

NM_000136.3(FANCC):c.1201G>A (p.Gly401Arg)

Genes: AOPEP (aminopeptidase O (putative); plus strand), FANCC (FA complementation group C; minus strand). Cytogenetic location: 9q22.32.
Variant type: single nucleotide variant.
Coding change: c.1201G>A on transcript NM_000136.3 (MANE Select); coding-DNA position 1201, G replaced by A.
Protein change: p.Gly401Arg; replaces glycine 401 with arginine.
Molecular consequence: missense variant.
Genome position (GRCh38, 1-based): chr9:95,111,591, C>T on the plus strand (G>A on the coding strand, the complement: FANCC is on the minus strand). VCF-style: chr9-95111591-C-T. GRCh37 (hg19) VCF-style: chr9-97873873-C-T.
Other names: p.G401R:GGA>AGA; c.1201G>A, p.Gly401Arg (NM_001243743.2, NM_001243744.2); short protein forms G401R.
Identifiers: ClinVar variation 182484 (VCV000182484.13), dbSNP rs730881722, ClinGen allele CA299181.

ClinVar aggregate classification (germline): Uncertain significance. Review status: criteria provided, multiple submitters, no conflicts (2 of 4 stars). 5 submissions from 5 submitters: Uncertain significance (4). 1 of the submissions does not count toward it. Last evaluated 2026-10-01.

Conditions:
Hereditary cancer-predisposing syndrome. Also called: Hereditary neoplastic syndrome; Tumor predisposition; Neoplastic Syndromes, Hereditary; Hereditary Cancer Syndrome. Identifiers: Orphanet 140162, MedGen C0027672, MeSH D009386, MONDO:0015356.
Fanconi anemia (FA). Also called: Fanconi's anemia. Identifiers: Orphanet 84, MedGen C0015625, MeSH D005199, MONDO:0019391.
Fanconi anemia complementation group C (FANCC). Also called: FANCC-Related Fanconi Anemia; FANCONI PANCYTOPENIA, TYPE 3; FACC; Fanconi anemia, group C. Identifiers: Orphanet 84, MedGen C3468041, MONDO:0009213, OMIM 227645.

Allele frequency attached by ClinVar (database versions not stated): TOPMed below 0.00001; ExAC 0.00001; gnomAD 0.00001; gnomAD exomes 0.00001 and 0.00002.
gnomAD v4.1: 15 of 1,614,042 alleles (0.00093%); highest among the groups gnomAD compares: Admixed American, 0.01%; no homozygotes.

Submissions (5):

St. Jude Molecular Pathology, St. Jude Children's Research Hospital
Classification: Uncertain significance for Fanconi anemia complementation group C. Last evaluated: 2026-10-01. Review status: criteria provided, single submitter. Criteria: St. Jude Assertion Criteria 2020. Collection method: clinical testing. Allele origin: germline.
Comment: The FANCC c.1201G>A p.(Gly401Arg) missense change has a maximum subpopulation frequency of 0.009% in gnomAD v2.1.1. The in silico tool REVEL is inconclusive about a pathogenic or benign effect of this variant on protein function, and to our knowledge functional studies have not been performed. To our knowledge, this variant has not been reported i n the literature in individuals with Fanconi anemia. In summary, the evidence currently available is insufficient to determine the clinical significance of this variant. It has therefore been classified as of uncertain significance.

Ambry Genetics
Classification: Uncertain significance for Hereditary cancer-predisposing syndrome. Last evaluated: 2025-11-03. Review status: criteria provided, single submitter. Criteria: Ambry Variant Classification Scheme 2023. Collection method: clinical testing. Allele origin: germline.
Comment: The p.G401R variant (also known as c.1201G>A), located in coding exon 12 of the FANCC gene, results from a G to A substitution at nucleotide position 1201. The glycine at codon 401 is replaced by arginine, an amino acid with dissimilar properties. This alteration has been previously identified in 1/421 pancreatic cancer cases and 0/654 controls (Couch FJ et al. Cancer Res., 2005 Jan;65:383-6). This alteration has also been reported in an individual with greater than 10 adenomatous colon polyps (Takao M et al. Int J Clin Oncol, 2021 Sep;26:1661-1670). This amino acid position is highly conserved in available vertebrate species. In addition, this alteration is predicted to be deleterious by in silico analysis. Since supporting evidence is limited at this time, the clinical significance of this alteration remains unclear.

GeneDx
Classification: Uncertain significance. Last evaluated: 2025-01-13. Review status: criteria provided, single submitter. Criteria: GeneDx Variant Classification Process June 2021. Collection method: clinical testing. Allele origin: germline. Affected: yes.
Comment: In silico analysis supports that this missense variant has a deleterious effect on protein structure/function; Not observed at significant frequency in large population cohorts (gnomAD); Also reported as 1456G>A (G401R); Identified in individuals with pancreatic cancer or colorectal polyposis (PMID: 15695377, 34106356); This variant is associated with the following publications: (PMID: 15695377, 34106356, Gordon2000[Book])

Labcorp Genetics (formerly Invitae), Labcorp
Classification: Uncertain significance for Fanconi anemia. Last evaluated: 2022-08-08. Review status: criteria provided, single submitter. Criteria: Invitae Variant Classification Sherloc (09022015). Collection method: clinical testing. Allele origin: germline.
Comment: This sequence change replaces glycine, which is neutral and non-polar, with arginine, which is basic and polar, at codon 401 of the FANCC protein (p.Gly401Arg). This variant is present in population databases (rs730881722, gnomAD 0.009%). This missense change has been observed in individual(s) with clinical features of FANCC-related conditions (PMID: 15695377, 34106356). This variant is also known as c.1456G>A. ClinVar contains an entry for this variant (Variation ID: 182484). Algorithms developed to predict the effect of missense changes on protein structure and function are either unavailable or do not agree on the potential impact of this missense change (SIFT: "Tolerated"; PolyPhen-2: "Probably Damaging"; Align-GVGD: "Class C0"). Algorithms developed to predict the effect of sequence changes on RNA splicing suggest that this variant may create or strengthen a splice site. In summary, the available evidence is currently insufficient to determine the role of this variant in disease. Therefore, it has been classified as a Variant of Uncertain Significance.

Natera, Inc.
Classification: Uncertain significance for Fanconi anemia, group C. Last evaluated: 2020-09-16. Review status: no assertion criteria provided. Collection method: clinical testing. Allele origin: germline. Not counted in ClinVar's aggregate classification.

Literature cited by the submitters: PubMed 15695377 (cited by Ambry Genetics and Labcorp Genetics (formerly Invitae), Labcorp); PubMed 34106356 (cited by Ambry Genetics and Labcorp Genetics (formerly Invitae), Labcorp).